The following is an entry in ClinVar:

ClinVar aggregate classification (germline): Uncertain significance (1 of 4 stars; one submission).

Allele frequency attached by ClinVar (database versions not stated): gnomAD exomes 0.00003; TOPMed 0.00002; ExAC 0.00004; gnomAD 0.00010.
gnomAD v4.1: 62 of 1,614,018 alleles (0.0038%); highest among the groups gnomAD compares: Middle Eastern, 0.033%; no homozygotes.

Submission:

Ambry Genetics
Classification: Uncertain significance. Last evaluated: 2025-10-26. Review status: criteria provided, single submitter. Criteria: Ambry Variant Classification Scheme 2023. Collection method: clinical testing. Allele origin: germline.
Comment: The p.V169M variant (also known as c.505G>A), located in coding exon 5 of the PKP4 gene, results from a G to A substitution at nucleotide position 505. The valine at codon 169 is replaced by methionine, an amino acid with highly similar properties. This amino acid position is conserved. In addition, this alteration is predicted to be tolerated by in silico analysis. Since supporting evidence is limited at this time, the clinical significance of this alteration remains unclear.

NM_003628.6(PKP4):c.505G>A (p.Val169Met)

Gene: PKP4 (plakophilin 4; plus strand). Cytogenetic location: 2q24.1.
Variant type: single nucleotide variant.
Coding change: c.505G>A on transcript NM_003628.6 (MANE Select); coding-DNA position 505, G replaced by A.
Protein change: p.Val169Met; replaces valine 169 with methionine.
Molecular consequence: missense variant. On other transcripts: 5 prime UTR variant (1).
Genome position (GRCh38, 1-based): chr2:158,621,323, G>A. VCF-style: chr2-158621323-G-A. GRCh37 (hg19) VCF-style: chr2-159477835-G-A.
Other names: c.505G>A, p.Val169Met (NM_001005476.4, NM_001304969.3, NM_001304971.2 and 6 more transcripts); c.-445G>A (NM_001304970.3); c.499G>A, p.Val167Met (NM_001377222.1, NM_001377223.1, NM_001377224.1); short protein forms V169M, V167M.
Identifiers: ClinVar variation 1745091 (VCV001745091.4), dbSNP rs750033852, ClinGen allele CA1920427.
Genomic context (GRCh38, chr2:158,621,323, plus strand): 5'-ATGAATTCTTATTCCGACAGTGGATACCAGGAAGCAGGGAGTTTCCACAACAGCCAGAAC[G>A]TGAGCAAGGCAGACAACAGACAGCAGCATTCATTCATAGGATCAACTAACAACCATGTGG-3'
Protein context (NP_003619.2, residues 159-179): EAGSFHNSQN[Val169Met]SKADNRQQHS